The following is an entry in ClinVar:

NM_002485.5(NBN):c.940G>T (p.Val314Leu)

Gene: NBN (nibrin; minus strand). Cytogenetic location: 8q21.3.
Variant type: single nucleotide variant.
Coding change: c.940G>T on transcript NM_002485.5 (MANE Select); coding-DNA position 940, G replaced by T.
Protein change: p.Val314Leu; replaces valine 314 with leucine.
Molecular consequence: missense variant.
Genome position (GRCh38, 1-based): chr8:89,964,464, C>A on the plus strand (G>T on the coding strand, the complement: NBN is on the minus strand). VCF-style: chr8-89964464-C-A. GRCh37 (hg19) VCF-style: chr8-90976692-C-A.
Other names: c.694G>T, p.Val232Leu (NM_001024688.3, NM_001440379.1, NM_001440380.1); short protein forms V232L, V314L.
Identifiers: ClinVar variation 5025381 (VCV005025381.1).

ClinVar aggregate classification (germline): Uncertain significance (1 of 4 stars; one submission).

Conditions:
Hereditary cancer-predisposing syndrome. Also called: Neoplastic Syndromes, Hereditary; Tumor predisposition; Hereditary neoplastic syndrome; Hereditary Cancer Syndrome. Identifiers: Orphanet 140162, MedGen C0027672, MeSH D009386, MONDO:0015356.

Submission:

Ambry Genetics
Classification: Uncertain significance for Hereditary cancer-predisposing syndrome. Last evaluated: 2026-07-06. Review status: criteria provided, single submitter. Criteria: Ambry Variant Classification Scheme 2023. Collection method: clinical testing. Allele origin: germline.
Comment: The p.V314L variant (also known as c.940G>T), located in coding exon 8 of the NBN gene, results from a G to T substitution at nucleotide position 940. The valine at codon 314 is replaced by leucine, an amino acid with highly similar properties. This amino acid position is conserved. In addition, the in silico prediction for this alteration is inconclusive. Based on the available evidence, the clinical significance of this variant remains unclear.